The following is an entry in ClinVar:

NM_000789.4(ACE):c.2987T>C (p.Phe996Ser)

Gene: ACE (angiotensin I converting enzyme; plus strand). Cytogenetic location: 17q23.3.
Variant type: single nucleotide variant.
Coding change: c.2987T>C on transcript NM_000789.4 (MANE Select); coding-DNA position 2987, T replaced by C.
Protein change: p.Phe996Ser; replaces phenylalanine 996 with serine.
Molecular consequence: missense variant. On other transcripts: non-coding transcript variant (1).
Genome position (GRCh38, 1-based): chr17:63,493,510, T>C. VCF-style: chr17-63493510-T-C. GRCh37 (hg19) VCF-style: chr17-61570871-T-C.
Other names: c.1265T>C, p.Phe422Ser (NM_001178057.2, NM_152830.3); c.2420T>C, p.Phe807Ser (NM_001382700.1); c.2135T>C, p.Phe712Ser (NM_001382701.1); c.725T>C, p.Phe242Ser (NM_001382702.1); short protein forms F422S, F807S, F242S, F712S, F996S.
Identifiers: ClinVar variation 2881616 (VCV002881616.3), dbSNP rs2030522633, ClinGen allele CA400561874.

ClinVar aggregate classification (germline): Uncertain significance (1 of 4 stars; one submission).

Allele frequency attached by ClinVar (database versions not stated): gnomAD exomes below 0.00001; TOPMed below 0.00001; gnomAD 0.00001.
gnomAD v4.1: 3 of 1,613,680 alleles (0.00019%); highest among the groups gnomAD compares: Non-Finnish European, 0.00025%; no homozygotes.

Submission:

Labcorp Genetics (formerly Invitae), Labcorp
Classification: Uncertain significance. Last evaluated: 2022-11-15. Review status: criteria provided, single submitter. Criteria: Invitae Variant Classification Sherloc (09022015). Collection method: clinical testing. Allele origin: germline.
Comment: In summary, the available evidence is currently insufficient to determine the role of this variant in disease. Therefore, it has been classified as a Variant of Uncertain Significance. Advanced modeling of protein sequence and biophysical properties (such as structural, functional, and spatial information, amino acid conservation, physicochemical variation, residue mobility, and thermodynamic stability) has been performed at Invitae for this missense variant, however the output from this modeling did not meet the statistical confidence thresholds required to predict the impact of this variant on ACE protein function. This variant has not been reported in the literature in individuals affected with ACE-related conditions. This variant is not present in population databases (gnomAD no frequency). This sequence change replaces phenylalanine, which is neutral and non-polar, with serine, which is neutral and polar, at codon 996 of the ACE protein (p.Phe996Ser).